The following is an entry in ClinVar:

ClinVar aggregate classification (germline): Conflicting classifications of pathogenicity. Review status: criteria provided, conflicting classifications (1 of 4 stars). 3 submissions from 3 submitters: Uncertain significance (1); Likely benign (1). 1 of the submissions does not count toward it. Last evaluated 2023-12-03.

Conditions:
Inborn genetic diseases. Identifiers: MedGen C0950123, MeSH D030342.
MACF1-related disorder. Also called: MACF1-related condition.

Allele frequency attached by ClinVar (database versions not stated): gnomAD exomes 0.00003; ExAC 0.00010; gnomAD 0.00033; TOPMed 0.00037; ESP Exome Variant Server 0.00054; 1000 Genomes Project 0.00080; 1000 Genomes Project 30x 0.00094.
gnomAD v4.1: 103 of 1,586,288 alleles (0.0065%); highest among the groups gnomAD compares: African/African-American, 0.12%; 1 homozygote.

Submissions (3):

GeneDx
Classification: Uncertain significance. Last evaluated: 2023-12-03. Review status: criteria provided, single submitter. Criteria: GeneDx Variant Classification Process June 2021. Collection method: clinical testing. Allele origin: germline. Affected: yes.
Comment: In silico analysis supports that this missense variant has a deleterious effect on protein structure/function; Has not been previously published as pathogenic or benign to our knowledge

Ambry Genetics
Classification: Likely benign for Inborn genetic diseases. Last evaluated: 2021-06-25. Review status: criteria provided, single submitter. Criteria: Ambry Variant Classification Scheme 2023. Collection method: clinical testing. Allele origin: germline.

PreventionGenetics, part of Exact Sciences
Classification: Likely benign for MACF1-related condition. Last evaluated: 2022-04-28. Review status: no assertion criteria provided. Collection method: clinical testing. Allele origin: germline. Not counted in ClinVar's aggregate classification.
Comment: This variant is classified as likely benign based on ACMG/AMP sequence variant interpretation guidelines (Richards et al. 2015 PMID: 25741868, with internal and published modifications).

NM_001394062.1(MACF1):c.13213G>C (p.Gly4405Arg)

Gene: MACF1 (microtubule actin crosslinking factor 1; plus strand). Cytogenetic location: 1p34.3.
Variant type: single nucleotide variant.
Coding change: c.13213G>C on transcript NM_001394062.1 (MANE Select); coding-DNA position 13213, G replaced by C.
Protein change: p.Gly4405Arg; replaces glycine 4405 with arginine.
Molecular consequence: missense variant.
Genome position (GRCh38, 1-based): chr1:39,372,596, G>C. VCF-style: chr1-39372596-G-C. GRCh37 (hg19) VCF-style: chr1-39838268-G-C.
Other names: c.7027G>C, p.Gly2343Arg (NM_012090.5); short protein forms G2343R, G4405R.
Identifiers: ClinVar variation 2379706 (VCV002379706.5), dbSNP rs146021397, ClinGen allele CA781979.